The following is an entry in ClinVar:

ClinVar aggregate classification (germline): Uncertain significance (1 of 4 stars; one submission).

Allele frequency attached by ClinVar (database versions not stated): gnomAD below 0.00001 and 0.00001.
gnomAD v4.1: 1 of 1,549,716 alleles (0.000065%); highest among the groups gnomAD compares: South Asian, 0.0012%; no homozygotes.

Submission:

Labcorp Genetics (formerly Invitae), Labcorp
Classification: Uncertain significance. Last evaluated: 2022-06-13. Review status: criteria provided, single submitter. Criteria: Invitae Variant Classification Sherloc (09022015). Collection method: clinical testing. Allele origin: germline.
Comment: In summary, the available evidence is currently insufficient to determine the role of this variant in disease. Therefore, it has been classified as a Variant of Uncertain Significance. Algorithms developed to predict the effect of missense changes on protein structure and function (SIFT, PolyPhen-2, Align-GVGD) all suggest that this variant is likely to be disruptive. ClinVar contains an entry for this variant (Variation ID: 1003496). This variant has not been reported in the literature in individuals affected with EYS-related conditions. This variant is not present in population databases (gnomAD no frequency). This sequence change replaces cysteine, which is neutral and slightly polar, with serine, which is neutral and polar, at codon 786 of the EYS protein (p.Cys786Ser).

NM_001142800.2(EYS):c.2357G>C (p.Cys786Ser)

Gene: EYS (EGF-like photoreceptor maintenance factor; minus strand). Cytogenetic location: 6q12.
Variant type: single nucleotide variant.
Coding change: c.2357G>C on transcript NM_001142800.2 (MANE Select); coding-DNA position 2357, G replaced by C.
Protein change: p.Cys786Ser; replaces cysteine 786 with serine.
Molecular consequence: missense variant.
Genome position (GRCh38, 1-based): chr6:64,945,817, C>G on the plus strand (G>C on the coding strand, the complement: EYS is on the minus strand). VCF-style: chr6-64945817-C-G. GRCh37 (hg19) VCF-style: chr6-65655710-C-G.
Other names: c.2357G>C, p.Cys786Ser (NM_001292009.2); short protein forms C786S.
Identifiers: ClinVar variation 1003496 (VCV001003496.8), dbSNP rs1769268250, ClinGen allele CA364787988.